The following is an entry in ClinVar:

NM_020639.3(RIPK4):c.89C>T (p.Ser30Leu)

Gene: RIPK4 (receptor interacting serine/threonine kinase 4; minus strand). Cytogenetic location: 21q22.3.
Variant type: single nucleotide variant.
Coding change: c.89C>T on transcript NM_020639.3 (MANE Select); coding-DNA position 89, C replaced by T.
Protein change: p.Ser30Leu; replaces serine 30 with leucine.
Molecular consequence: missense variant.
Genome position (GRCh38, 1-based): chr21:41,766,953, G>A on the plus strand (C>T on the coding strand, the complement: RIPK4 is on the minus strand). VCF-style: chr21-41766953-G-A. GRCh37 (hg19) VCF-style: chr21-43187113-G-A.
Other names: short protein forms S30L.
Identifiers: ClinVar variation 3393752 (VCV003393752.2).
Genomic context (GRCh38, chr21:41,766,953, plus strand): 5'-ATGGCCAGCCAGGTCTTCCAGTGGACATGGCGCACCTTGTACACCTGCCCGAAGCCGCCC[G>A]AGCCCACCTTCTCCCAGCCCGTGAACTCGCCCGCGTCGAAGGTGCGCAGCAGCGCCAGGG-3'
Protein context (NP_065690.2, residues 20-40): GEFTGWEKVG[Ser30Leu]GGFGQVYKVR

ClinVar aggregate classification (germline): Conflicting classifications of pathogenicity. Review status: criteria provided, conflicting classifications (1 of 4 stars). 2 submissions from 2 submitters: Uncertain significance (1); Likely benign (1). Last evaluated 2026-01-23.

Conditions:
RIPK4-related disorder. Also called: RIPK4-related condition.

gnomAD v4.1: 141 of 1,607,970 alleles (0.0088%); highest among the groups gnomAD compares: African/African-American, 0.17%; no homozygotes.

Submissions (2):

PreventionGenetics, part of Exact Sciences
Classification: Likely benign for RIPK4-related condition. Last evaluated: 2026-01-23. Review status: criteria provided, single submitter. Criteria: ACMG Guidelines, 2015. Collection method: clinical testing. Allele origin: germline.
Comment: This variant is classified as likely benign based on ACMG/AMP sequence variant interpretation guidelines (Richards et al. 2015 PMID: 25741868, with internal and published modifications).

GeneDx
Classification: Uncertain significance. Last evaluated: 2024-07-05. Review status: criteria provided, single submitter. Criteria: GeneDx Variant Classification Process June 2021. Collection method: clinical testing. Allele origin: germline. Affected: yes.
Comment: In silico analysis indicates that this missense variant does not alter protein structure/function; Has not been previously published as pathogenic or benign to our knowledge